The following is an entry in ClinVar:

ClinVar aggregate classification (germline): Uncertain significance (1 of 4 stars; one submission).

Conditions:
Polycystic kidney disease, adult type (PKD1). Also called: Polycystic Kidney, Autosomal Dominant; POLYCYSTIC KIDNEY DISEASE, ADULT, TYPE I; Polycystic Kidney Disease 1, Autosomal Dominant; Polycystic kidney disease 1; Polycystic kidney disease 1, severe; POLYCYSTIC KIDNEY DISEASE 1 WITH OR WITHOUT POLYCYSTIC LIVER DISEASE. Identifiers: MedGen C3149841, MONDO:0008263, OMIM 173900.

Submission:

Juno Genomics, Hangzhou Juno Genomics, Inc
Classification: Uncertain significance for Polycystic kidney disease, adult type. Review status: criteria provided, single submitter. Criteria: ACMG Guidelines, 2015. Collection method: clinical testing. Allele origin: germline. Affected: yes.
Comment: Absent from controls (or at extremely low frequency if recessive) in Genome Aggregation Database, Exome Sequencing Project, 1000 Genomes Project, or Exome Aggregation Consortium.;Protein length changes due to in-frame deletions/insertions in a non-repeat region or stop-loss variants.;The prevalence of the variant in affected individuals is significantly increased compared to the prevalence in controls.;Patient's phenotype or family history is highly specific for a disease with a single genetic etiology.

NM_001009944.3(PKD1):c.6642_6656dup (p.Leu2221_Ala2222insValLeuProArgLeu)

Gene: PKD1 (polycystin 1, transient receptor potential channel interacting; minus strand). Cytogenetic location: 16p13.3.
Variant type: Duplication.
Coding change: c.6642_6656dup on transcript NM_001009944.3 (MANE Select); coding-DNA positions 6642 to 6656, 15 bases duplicated (TCGGCTGGTGCTGCC).
Protein change: p.Leu2221_Ala2222insValLeuProArgLeu.
Molecular consequence: inframe insertion.
Genome position (GRCh38, 1-based): chr16:2,108,511-2,108,525, GGCAGCACCAGCCGA duplicated on the plus strand (TCGGCTGGTGCTGCC on the coding strand, the reverse complement: PKD1 is on the minus strand); duplicating any 15 consecutive bases within chr16:2,108,511-2,108,528 gives the same sequence; the c. name uses the placement nearest the transcript's 3' end. VCF-style (leftmost placement, unchanged base first): chr16-2108510-C-CGGCAGCACCAGCCGA. GRCh37 (hg19) VCF-style: chr16-2158511-C-CGGCAGCACCAGCCGA.
Other names: c.6642_6656dup, p.Leu2221_Ala2222insValLeuProArgLeu (NM_000296.4).
Identifiers: ClinVar variation 4796513 (VCV004796513.1).
Genomic context (GRCh38, chr16:2,108,510, plus strand): 5'-CGTGTCCCCAAATGACACGACAAACACAAAGCAGTAGTGCCCCACAGGCAGCGCCAGCCG[C>CGGCAGCACCAGCCGA]GGCAGCACCAGCCGAGGCCGGCTCACGTCCACGCCGGGCAGGGCCACACGCGCTGGGCGC-3'